The following is an entry in ClinVar:

NM_000540.3(RYR1):c.11708G>A (p.Arg3903Gln)

Gene: RYR1 (ryanodine receptor 1; plus strand). Cytogenetic location: 19q13.2.
Variant type: single nucleotide variant.
Coding change: c.11708G>A on transcript NM_000540.3 (MANE Select); coding-DNA position 11708, G replaced by A.
Protein change: p.Arg3903Gln; replaces arginine 3903 with glutamine.
Molecular consequence: missense variant.
Genome position (GRCh38, 1-based): chr19:38,543,365, G>A. VCF-style: chr19-38543365-G-A. GRCh37 (hg19) VCF-style: chr19-39034005-G-A.
Other names: NM_000540.3(RYR1):c.11708G>A; c.11693G>A, p.Arg3898Gln (NM_001042723.2); c.11708G>A (NM_000540.2); short protein forms R3903Q, R3898Q.
Identifiers: ClinVar variation 133017 (VCV000133017.21), dbSNP rs148399313, ClinGen allele CA023926.

ClinVar aggregate classification (germline): Pathogenic/Likely pathogenic. Review status: reviewed by expert panel (3 of 4 stars). 10 submissions from 10 submitters: Pathogenic (1); Likely pathogenic (1). 8 of the submissions do not count toward it. Last evaluated 2026-03-09.

Conditions:
RYR1-related myopathy. Identifiers: Orphanet 98742, MedGen CN305348, MONDO:0100150.
Congenital multicore myopathy with external ophthalmoplegia (CMYO1B). Also called: Congenital myopathy 1B, autosomal recessive; Minicore myopathy; MULTICORE MYOPATHY; MULTIMINICORE DISEASE WITH EXTERNAL OPHTHALMOPLEGIA; Minicore myopathy with external ophthalmoplegia. Identifiers: Orphanet 598, Orphanet 98905, MedGen C1850674, MONDO:0009712, OMIM 255320, HP:0003789.
Central core myopathy (CMYO1A). Also called: CONGENITAL MYOPATHY 1A, AUTOSOMAL DOMINANT, WITH SUSCEPTIBILITY TO MALIGNANT HYPERTHERMIA; Central core disease; Myopathy, central fibrillar. Identifiers: Orphanet 597, MedGen C5830701, MONDO:0007294, OMIM 117000.
King Denborough syndrome (KDS). Identifiers: MedGen C1840365, MONDO:0020485, OMIM 619542.
Malignant hyperthermia, susceptibility to, 1 (MHS1). Also called: Malignant hyperthermia suceptibility 1; Anesthesia related hyperthermia; Malignant hyperpyrexia; Fulminating hyperpyrexia; Pharmacogenic myopathy; RYR1-Related Malignant Hyperthermia Susceptibility. Identifiers: Orphanet 423, MedGen C2930980, MONDO:0007783, OMIM 145600.
RYR1-related disorder. Also called: RYR1-related disorders; RYR1-related condition. Identifiers: MedGen CN239331.
Malignant hyperthermia of anesthesia. Also called: Anesthesic-triggered malignant hyperthermia. Identifiers: Orphanet 423, MedGen C0024591, MONDO:0018493, HP:0034733.

Allele frequency attached by ClinVar (database versions not stated): gnomAD 0.00001; gnomAD exomes 0.00001; TOPMed 0.00001; ExAC 0.00002.
gnomAD v4.1: 15 of 1,614,050 alleles (0.00093%); highest among the groups gnomAD compares: Non-Finnish European, 0.0013%; no homozygotes.

Submissions 1 to 6 of 10:

ClinGen Congenital Myopathies Variant Curation Expert Panel, ClinGen
Classification: Pathogenic for RYR1-related myopathy. Last evaluated: 2026-03-09. Review status: reviewed by expert panel. Criteria: ClinGen CongenMyopathy ACMG Specifications RYR1 AR V2.0.0. Collection method: curation. Allele origin: germline. Inheritance: Autosomal recessive inheritance.
Comment: The NM_000540.3 (RYR1) c.11708G>A (p.Arg3903Gln) variant in the RYR1 gene is a missense variant predicted to cause a substitution of arginine by glutamine at amino acid 3903. The highest minor allele frequency in gnomAD v4.1.0 is 0.0000127 (15/1180042) in a Non-Finnish European population (PM2_Supporting, BS1, and BA1 not met). The computational predictor REVEL gives a score of 0.97, which is above the threshold of ≥ 0.7, which is evidence that correlates with impact to RYR1 function (PP3). The variant has been reported to segregate with RYR1-related myopathy in 5 affected family members from 2 families (PP1_Strong, PMIDs: 35428369, 19252784). It was also reported in two homozygous probands with central core disease (PMID: 30611313 19252784). and two compound heterozygous probands with congenital myopathy: one carries p.Phe4976Leu and the other carries c.9643_9650dup both suspected in trans (VCEP internal data) (PM3_Strong). In summary, this variant meets the criteria to be classified as pathogenic for autosomal recessive RYR1-related myopathy based on the ACMG/AMP criteria applied, as specified by the ClinGEn Congenital Myopathies: PP3, PP1_Strong, PM3_Strong (ClinGen Congenital Myopathies VCEP specifications version 2.0.0).

ClinGen Malignant Hyperthermia Susceptibility Variant Curation Expert Panel, ClinGen
Classification: Likely pathogenic for Malignant hyperthermia, susceptibility to, 1. Last evaluated: 2025-08-01. Review status: reviewed by expert panel. Criteria: ClinGen MHS ACMG Specifications V2. Collection method: curation. Allele origin: germline. Inheritance: Autosomal dominant inheritance.
Comment: This pathogenicity assessment is relevant only for malignant hyperthermia susceptibility (MHS) inherited in an autosomal dominant pattern. Variants in RYR1 can also cause other myopathies inherited in an autosomal dominant pattern or in an autosomal recessive pattern. Some of these disorders may predispose individuals to malignant hyperthermia. RYR1 variants may also contribute to a malignant hyperthermia reaction in combination with other genetic and non-genetic factors and the clinician needs to consider such factors in making management decisions. This sequence variant predicts a substitution of arginine with glutamine at codon 3903 of the RYR1 protein, p.(Arg3903Gln). The maximum allele frequency for this variant among the six major gnomAD populations is NFE: 0.000026, a frequency consistent with pathogenicity for MHS. This variant has been reported in eight unrelated individuals who have a personal or family history of a malignant hyperthermia reaction, all of these individuals had a positive in vitro contracture test (IVCT) or caffeine halothane contracture test (CHCT) result (if the proband was unavailable for testing, a positive diagnostic test result in a mutation-positive relative was counted), PS4 (PMID:20681998, PMID:24433488, PMID:30236257). No functional studies were identified for this variant. This variant does not reside in a hotspot for pathogenic variants that contribute to MHS. A REVEL score >0.85 (0.97) supports a pathogenic status for this variant, PP3_Moderate. This variant has been classified as Likely Pathogenic. Criteria implemented: PS4, PP3_Moderate.

GeneDx
Classification: Likely pathogenic. Last evaluated: 2026-05-01. Review status: criteria provided, single submitter. Criteria: GeneDx Variant Classification Process June 2021. Collection method: clinical testing. Allele origin: germline. Not counted in ClinVar's aggregate classification.
Comment: Identified in heterozygous state in a patient with multiminicore disease in published literature (PMID: 19191333); Observed in homozygous state in a patient with central core disease in the literature and not observed in homozygous state in controls (PMID: 35428369, 30611313); Not observed at significant frequency in large population cohorts (gnomAD); In silico analysis supports that this missense variant has a deleterious effect on protein structure/function; This variant is associated with the following publications: (PMID: 19252784, 16917943, 20681998, 24433488, 34535181, 35428369, 37510298, 30611313, 36833224, 39273074, 16835904, 30236257, 19191333, 41517358, 41153347)

Color Diagnostics, LLC DBA Color Health
Classification: Likely pathogenic for Malignant hyperthermia, susceptibility to, 1. Last evaluated: 2025-09-22. Review status: criteria provided, single submitter. Criteria: ACMG Guidelines, 2015. Collection method: clinical testing. Allele origin: germline. Not counted in ClinVar's aggregate classification.
Comment: This missense variant replaces arginine with glutamine at codon 3903 of the RYR1 protein. Computational prediction suggests that this variant may have deleterious impact on protein structure and function. To our knowledge, functional studies have not been reported for this variant. This variant has been reported in several individuals and families affected with malignant hyperthermia susceptibility (PMID: 16835904, 19191333, 20681998, 30236257). This variant has been identified in 3/251492 chromosomes in the general population by the Genome Aggregation Database (gnomAD). Based on the available evidence, this variant is classified as Likely Pathogenic.

Labcorp Genetics (formerly Invitae), Labcorp
Classification: Pathogenic for RYR1-related disorder. Last evaluated: 2025-07-21. Review status: criteria provided, single submitter. Criteria: Invitae Variant Classification Sherloc (09022015). Collection method: clinical testing. Allele origin: germline. Not counted in ClinVar's aggregate classification.
Comment: This sequence change replaces arginine, which is basic and polar, with glutamine, which is neutral and polar, at codon 3903 of the RYR1 protein (p.Arg3903Gln). This variant is present in population databases (rs148399313, gnomAD 0.003%). This missense change has been observed in individual(s) with autosomal dominant malignant hyperthermia and central core disease (PMID: 16835904, 30236257, 30611313). This variant has been reported in individual(s) with autosomal recessive RYR1-related conditions (PMID: 35428369); however, the role of the variant in this condition is currently unclear. ClinVar contains an entry for this variant (Variation ID: 133017). Invitae Evidence Modeling of protein sequence and biophysical properties (such as structural, functional, and spatial information, amino acid conservation, physicochemical variation, residue mobility, and thermodynamic stability) indicates that this missense variant is expected to disrupt RYR1 protein function with a positive predictive value of 80%. For these reasons, this variant has been classified as Pathogenic.

PreventionGenetics, part of Exact Sciences
Classification: Likely pathogenic for RYR1-related condition. Last evaluated: 2024-11-08. Review status: criteria provided, single submitter. Criteria: ACMG Guidelines, 2015. Collection method: clinical testing. Allele origin: germline. Not counted in ClinVar's aggregate classification.
Comment: The RYR1 c.11708G>A variant is predicted to result in the amino acid substitution p.Arg3903Gln. This rare variant has been reported by multiple research groups in at least 11 families who were susceptible to Malignant Hyperthermia (MH) (Galli et al. 2006. PubMed ID: 16835904; Tammaro et al. 2011. PubMed ID: 20681998; Miller et al. 2018. PubMed ID: 30236257). The variant appears to be significantly more frequent in cases than controls (Miller et al. 2018. PubMed ID: 30236257). This variant is reported in 0.0026% of alleles in individuals of European (Non-Finnish) descent in gnomAD. This variant is interpreted as likely pathogenic.